The following is an entry in ClinVar:

ClinVar aggregate classification (germline): Conflicting classifications of pathogenicity. Review status: criteria provided, conflicting classifications (1 of 4 stars). 3 submissions from 3 submitters: Uncertain significance (2); Likely benign (1). Last evaluated 2026-04-29.

Allele frequency attached by ClinVar (database versions not stated): ExAC 0.00059; TOPMed 0.00010; gnomAD exomes 0.00021 and 0.00034; gnomAD 0.00027 and 0.00028; ESP Exome Variant Server 0.00038.
gnomAD v4.1: 344 of 1,612,788 alleles (0.021%); highest among the groups gnomAD compares: Non-Finnish European, 0.023%; 1 homozygote.

Submissions (3):

Women's Health and Genetics/Laboratory Corporation of America, LabCorp
Classification: Uncertain significance. Last evaluated: 2026-04-29. Review status: criteria provided, single submitter. Criteria: LabCorp Variant Classification Summary - May 2015. Collection method: clinical testing. Allele origin: germline.
Comment: Variant summary: LHX3 c.398G>A (p.Gly133Asp) results in a non-conservative amino acid change in the encoded protein sequence. Algorithms developed to predict the effect of missense changes on protein structure and function all suggest that this variant is likely to be disruptive. The variant allele was found at a frequency of 0.00034 in 247380 control chromosomes. This frequency is not significantly higher than estimated for disease-causing variants in LHX3, allowing no conclusion about variant significance. To our knowledge, no occurrence of c.398G>A in individuals affected with LHX3-related conditions and no experimental evidence demonstrating its impact on protein function have been reported. ClinVar contains an entry for this variant (Variation ID: 1431787). Based on the evidence outlined above, the variant was classified as uncertain significance.

Laboratory of Genetics, Children's Clinical University Hospital Latvia
Classification: Likely benign. Last evaluated: 2025-02-16. Review status: criteria provided, single submitter. Criteria: ACMG Guidelines, 2015. Collection method: clinical testing. Allele origin: germline. Affected: yes.

Labcorp Genetics (formerly Invitae), Labcorp
Classification: Uncertain significance. Last evaluated: 2024-10-22. Review status: criteria provided, single submitter. Criteria: Invitae Variant Classification Sherloc (09022015). Collection method: clinical testing. Allele origin: germline.
Comment: This sequence change replaces glycine with aspartic acid at codon 133 of the LHX3 protein (p.Gly133Asp). The glycine residue is highly conserved and there is a moderate physicochemical difference between glycine and aspartic acid. This variant is present in population databases (rs146827257, gnomAD 0.08%), including at least one homozygous and/or hemizygous individual. This variant has not been reported in the literature in individuals affected with LHX3-related conditions. ClinVar contains an entry for this variant (Variation ID: 1431787). An algorithm developed to predict the effect of missense changes on protein structure and function (PolyPhen-2) suggests that this variant is likely to be disruptive. In summary, the available evidence is currently insufficient to determine the role of this variant in disease. Therefore, it has been classified as a Variant of Uncertain Significance.

NM_178138.6(LHX3):c.383G>A (p.Gly128Asp)

Gene: LHX3 (LIM homeobox 3; minus strand). Cytogenetic location: 9q34.3.
Variant type: single nucleotide variant.
Coding change: c.383G>A on transcript NM_178138.6 (MANE Select); coding-DNA position 383, G replaced by A.
Protein change: p.Gly128Asp; replaces glycine 128 with aspartic acid.
Molecular consequence: missense variant.
Genome position (GRCh38, 1-based): chr9:136,199,749, C>T on the plus strand (G>A on the coding strand, the complement: LHX3 is on the minus strand). VCF-style: chr9-136199749-C-T. GRCh37 (hg19) VCF-style: chr9-139091595-C-T.
Other names: c.350G>A, p.Gly117Asp (NM_001363746.1); c.398G>A, p.Gly133Asp (NM_014564.5); short protein forms G117D, G128D, G133D.
Identifiers: ClinVar variation 1431787 (VCV001431787.6), dbSNP rs146827257, ClinGen allele CA5330515.